The following is an entry in ClinVar:

ClinVar aggregate classification (germline): Conflicting classifications of pathogenicity. Review status: criteria provided, conflicting classifications (1 of 4 stars). 8 submissions from 8 submitters: Uncertain significance (2); Benign (1); Likely benign (4). 1 of the submissions does not count toward it. Last evaluated 2026-08-13.

Conditions:
CDH23-related disorder. Also called: CDH23-related disorders; CDH23-related condition.
Usher syndrome type 1 (USH1). Also called: RETINITIS PIGMENTOSA AND CONGENITAL DEAFNESS. Identifiers: Orphanet 231169, Orphanet 886, MedGen C1568247, MONDO:0010168, OMIM 276900.

Allele frequency attached by ClinVar (database versions not stated): gnomAD exomes 0.00033; 1000 Genomes Project 30x 0.00047; ExAC 0.00047; 1000 Genomes Project 0.00060; gnomAD 0.00124; ESP Exome Variant Server 0.00136; TOPMed 0.00151.
gnomAD v4.1: 384 of 1,612,118 alleles (0.024%); highest among the groups gnomAD compares: African/African-American, 0.45%; no homozygotes.

Submissions (8):

PreventionGenetics, part of Exact Sciences
Classification: Likely benign for CDH23-related condition. Last evaluated: 2026-08-13. Review status: criteria provided, single submitter. Criteria: ACMG Guidelines, 2015. Collection method: clinical testing. Allele origin: germline.
Comment: This variant is classified as likely benign based on ACMG/AMP sequence variant interpretation guidelines (Richards et al. 2015 PMID: 25741868, with internal and published modifications).

Labcorp Genetics (formerly Invitae), Labcorp
Classification: Likely benign. Last evaluated: 2026-01-25. Review status: criteria provided, single submitter. Criteria: Invitae Variant Classification Sherloc (09022015). Collection method: clinical testing. Allele origin: germline.

Blueprint Genetics
Classification: Likely benign. Last evaluated: 2024-10-10. Review status: criteria provided, single submitter. Criteria: ACMG Guidelines, 2015. Collection method: clinical testing. Allele origin: germline.

GeneDx
Classification: Likely benign. Last evaluated: 2020-08-10. Review status: criteria provided, single submitter. Criteria: GeneDx Variant Classification Process June 2021. Collection method: clinical testing. Allele origin: germline. Affected: yes.

ARUP Laboratories, Molecular Genetics and Genomics, ARUP Laboratories
Classification: Uncertain significance. Last evaluated: 2017-09-05. Review status: criteria provided, single submitter. Criteria: ARUP Molecular Germline Variant Investigation Process. Collection method: clinical testing. Allele origin: germline.
Comment: The p.Ile1121Phe variant (rs200542052) has not been reported in the medical literature. This variant is listed in the Genome Aggregation Database (gnomAD) browser with an allele frequency of 0.46% in the African population (identified in 108 out of 23,580 chromosomes; 0 homozygotes), and is listed in ClinVar with conflicting interpretations of pathogenicity (benign/uncertain significance; Variant ID: 45916). The isoleucine at codon 1121 is highly conserved considering 12 species up to zebrafish (Alamut software v2.9.0), and computational analyses suggest that this variant affects the CDH23 protein structure/function (SIFT: damaging, PolyPhen2: possibly damaging, MutationTaster: disease causing). While the frequency of this variant in the African population suggests that it is a benign polymorphism, the available evidence is insufficient to classify the clinical significance with certainty.

Eurofins Ntd Llc (ga)
Classification: Uncertain significance. Last evaluated: 2017-02-21. Review status: criteria provided, single submitter. Criteria: EGL Classification Definitions 2015. Collection method: clinical testing. Allele origin: germline. Observed: 2 variant alleles, 2 heterozygotes.

Laboratory for Molecular Medicine, Mass General Brigham Personalized Medicine
Classification: Benign. Last evaluated: 2015-07-02. Review status: criteria provided, single submitter. Criteria: LMM Criteria. Collection method: clinical testing. Allele origin: germline. Observed: 4 variant alleles.
Comment: p.Ile1121Phe in exon 28 of CDH23: This variant is not expected to have clinical significance because it is has been identified in 0.6% (44/7874) of African chro mosomes by the Exome Aggregation Consortium (ExAC, g; dbSNP rs200542052).

Natera, Inc.
Classification: Likely benign for Usher syndrome type 1. Last evaluated: 2020-04-13. Review status: no assertion criteria provided. Collection method: clinical testing. Allele origin: germline. Not counted in ClinVar's aggregate classification.

NM_022124.6(CDH23):c.3361A>T (p.Ile1121Phe)

Genes: C10orf105 (chromosome 10 open reading frame 105; minus strand), CDH23 (cadherin related 23; plus strand). Cytogenetic location: 10q22.1.
Variant type: single nucleotide variant.
Coding change: c.3361A>T on transcript NM_022124.6 (MANE Select); coding-DNA position 3361, A replaced by T.
Protein change: p.Ile1121Phe; replaces isoleucine 1121 with phenylalanine.
Molecular consequence: missense variant. On other transcripts: 3 prime UTR variant (2).
Genome position (GRCh38, 1-based): chr10:71,712,805, A>T. VCF-style: chr10-71712805-A-T. GRCh37 (hg19) VCF-style: chr10-73472562-A-T.
Other names: c.*3131T>A (NM_001164375.3, NM_001168390.2); c.3361A>T, p.Ile1121Phe (NM_001171930.2); short protein forms I1121F.
Identifiers: ClinVar variation 45916 (VCV000045916.33), dbSNP rs200542052, ClinGen allele CA137370.